The following is an entry in ClinVar:

ClinVar aggregate classification (germline): Uncertain significance (1 of 4 stars; one submission).

Submission:

Ambry Genetics
Classification: Uncertain significance. Last evaluated: 2023-04-28. Review status: criteria provided, single submitter. Criteria: Ambry Variant Classification Scheme 2023. Collection method: clinical testing. Allele origin: germline.
Comment: The p.P957L variant (also known as c.2870C>T), located in coding exon 23 of the BUB1 gene, results from a C to T substitution at nucleotide position 2870. The proline at codon 957 is replaced by leucine, an amino acid with similar properties. This amino acid position is conserved. In addition, the in silico prediction for this alteration is inconclusive. Since supporting evidence is limited at this time, the clinical significance of this alteration remains unclear.

NM_004336.5(BUB1):c.2870C>T (p.Pro957Leu)

Gene: BUB1 (BUB1 mitotic checkpoint serine/threonine kinase; minus strand). Cytogenetic location: 2q13.
Variant type: single nucleotide variant.
Coding change: c.2870C>T on transcript NM_004336.5 (MANE Select); coding-DNA position 2870, C replaced by T.
Protein change: p.Pro957Leu; replaces proline 957 with leucine.
Molecular consequence: missense variant.
Genome position (GRCh38, 1-based): chr2:110,641,119, G>A on the plus strand (C>T on the coding strand, the complement: BUB1 is on the minus strand). VCF-style: chr2-110641119-G-A. GRCh37 (hg19) VCF-style: chr2-111398696-G-A.
Other names: c.2810C>T, p.Pro937Leu (NM_001278616.2); c.2699C>T, p.Pro900Leu (NM_001278617.2); short protein forms P937L, P900L, P957L.
Identifiers: ClinVar variation 2565801 (VCV002565801.2), dbSNP rs2467970326, ClinGen allele CA348089110.